The following is an entry in ClinVar:

ClinVar aggregate classification (germline): Benign. Review status: criteria provided, multiple submitters, no conflicts (2 of 4 stars). 2 submissions from 2 submitters: Benign (2). Last evaluated 2018-06-19.

Allele frequency attached by ClinVar (database versions not stated): gnomAD 0.09430 and 0.10614; TOPMed 0.11231; gnomAD exomes 0.13095; 1000 Genomes Project 30x 0.24079; 1000 Genomes Project 0.25695.
gnomAD v4.1: 95,236 of 747,292 alleles (13%); highest among the groups gnomAD compares: East Asian, 66%; 7,546 homozygotes.

Submissions (2):

GeneDx
Classification: Benign. Last evaluated: 2018-06-19. Review status: criteria provided, single submitter. Criteria: GeneDx Variant Classification (06012015). Collection method: clinical testing. Allele origin: germline. Affected: yes.
Comment: This variant is considered likely benign or benign based on one or more of the following criteria: it is a conservative change, it occurs at a poorly conserved position in the protein, it is predicted to be benign by multiple in silico algorithms, and/or has population frequency not consistent with disease.

Breakthrough Genomics
Classification: Benign. Review status: criteria provided, single submitter. Criteria: ACMG Guidelines, 2015. Collection method: not provided. Allele origin: germline. Inheritance: X-linked inheritance. Affected: yes.

NM_001123385.2(BCOR):c.4173+139G>T

Gene: BCOR (BCL6 corepressor; minus strand). Cytogenetic location: Xp11.4.
Variant type: single nucleotide variant.
Coding change: c.4173+139G>T on transcript NM_001123385.2 (MANE Select); 139 bases into the intron after coding-DNA position 4173, G replaced by T.
Molecular consequence: intron variant.
Genome position (GRCh38, 1-based): chrX:40,062,607, C>A on the plus strand (G>T on the coding strand, the complement: BCOR is on the minus strand). VCF-style: chrX-40062607-C-A. GRCh37 (hg19) VCF-style: chrX-39921860-C-A.
Other names: c.4017+139G>T (NM_001123384.2); c.4119+139G>T (NM_001438207.1); c.4071+139G>T (NM_001123383.2, NM_001438208.1, NM_017745.6); c.4173+139G>T (NM_001437510.1, NM_001437511.1).
Identifiers: ClinVar variation 674198 (VCV000674198.2), dbSNP rs55700604, ClinGen allele CA327984495.
Genomic context (GRCh38, chrX:40,062,607, plus strand): 5'-TTTGGGGGAAGGGATTTCATTCTTACTAGTTTGAAACTTCGCTGCCACCCAGAAGACATG[C>A]TCCTCTAGGACAGGGGAGTGACGTGTGGTGTGGGGGAGGAGTCCAGGAAAAGGAAAGCTT-3'